The following is an entry in ClinVar:

NM_003070.5(SMARCA2):c.3253dup (p.Tyr1085fs)

Gene: SMARCA2 (SWI/SNF related BAF chromatin remodeling complex subunit ATPase 2; plus strand). Cytogenetic location: 9p24.3.
Variant type: Duplication.
Coding change: c.3253dup on transcript NM_003070.5 (MANE Select); coding-DNA position 3253, one base duplicated (T; older notation c.3253dupT).
Protein change: p.Tyr1085fs; shifts the reading frame from tyrosine 1085.
Molecular consequence: frameshift variant.
Genome position (GRCh38, 1-based): chr9:2,104,130, T duplicated; the last of 2 consecutive T bases (chr9:2,104,129-2,104,130); duplicating either gives the same sequence. VCF-style (leftmost placement, unchanged base first): chr9-2104128-A-AT. GRCh37 (hg19) VCF-style: chr9-2104128-A-AT.
Other names: c.3253dup, p.Tyr1085fs (NM_001289396.2, NM_139045.4); c.3079dup, p.Tyr1027fs (NM_001289397.2); short protein forms Y1027fs, Y1085fs.
Identifiers: ClinVar variation 3907706 (VCV003907706.1).
Genomic context (GRCh38, chr9:2,104,128, plus strand): 5'-CGACTAATCACCGAGTGCTGCTTTTCTGCCAGATGACATCTCTCATGACCATCATGGAGG[A>AT]TTATTTTGCTTTTCGGAACTTCCTTTACCTACGCCTTGATGGTAAGTGCATAAGGCATTA-3'

ClinVar aggregate classification (germline): Uncertain significance (1 of 4 stars; one submission).

Submission:

GeneDx
Classification: Uncertain significance. Last evaluated: 2024-12-29. Review status: criteria provided, single submitter. Criteria: GeneDx Variant Classification Process June 2021. Collection method: clinical testing. Allele origin: germline. Affected: yes.
Comment: Has not been previously published as pathogenic or benign to our knowledge; Frameshift variant predicted to result in protein truncation or nonsense mediated decay in a gene or region of a gene for which loss of function is not a well-established mechanism of disease; Not observed at significant frequency in large population cohorts (gnomAD)